The following is an entry in ClinVar:

ClinVar aggregate classification (germline): Conflicting classifications of pathogenicity. Review status: criteria provided, conflicting classifications (1 of 4 stars). 2 submissions from 2 submitters: Uncertain significance (1); Likely benign (1). Last evaluated 2023-06-25.

Conditions:
X-linked distal spinal muscular atrophy type 3. Also called: NEURONOPATHY, DISTAL HEREDITARY MOTOR, X-LINKED; NEUROPATHY, DISTAL HEREDITARY MOTOR, X-LINKED; ATP7A-Related Distal Motor Neuropathy; SPINAL MUSCULAR ATROPHY, DISTAL, X-LINKED RECESSIVE. Identifiers: Orphanet 139557, MedGen C1845359, MONDO:0010338, OMIM 300489.
Menkes kinky-hair syndrome (MNK). Also called: Menkes Disease; Copper transport disease; Classic Menkes Disease. Identifiers: Orphanet 565, MedGen C0022716, MONDO:0010651, OMIM 309400.
Cutis laxa, X-linked (OHS). Also called: EDS IX; Occipital horn syndrome. Identifiers: Orphanet 198, MedGen C0268353, MONDO:0010572, OMIM 304150.

Submissions (2):

Labcorp Genetics (formerly Invitae), Labcorp
Classification: Likely benign for X-linked distal spinal muscular atrophy type 3; Cutis laxa, X-linked; Menkes kinky-hair syndrome. Last evaluated: 2023-06-25. Review status: criteria provided, single submitter. Criteria: Invitae Variant Classification Sherloc (09022015). Collection method: clinical testing. Allele origin: germline.

Victorian Clinical Genetics Services, Murdoch Childrens Research Institute
Classification: Uncertain significance for Menkes kinky-hair syndrome. Last evaluated: 2019-08-28. Review status: criteria provided, single submitter. Criteria: ACMG Guidelines, 2015. Collection method: clinical testing. Allele origin: germline. Inheritance: X-linked inheritance.
Comment: A hemizygous splice-site variant, NM_000052.6(ATP7A):c.3511+8A>C, has been identified in intron 17 of 22 of the ATP7A gene. The effect of this variant on the protein sequence is unknown. The nucleotide at this position has low conservation (Phylop UCSC). This nucleotide substitution is not predicted to cause aberrant splicing of exon in in the ATP7A gene (Fruit Fly, NetGene2, Human Splice Finder); further testing via RNA studies are required to confirm if splicing is altered. The variant is absent in population databases (gnomAD) and has not been previously reported in clinical cases. Based on the information available at the time of curation, this variant has been classified as a VARIANT of UNCERTAIN SIGNIFICANCE (VUS) with LOW CLINICAL RELEVANCE.

NM_000052.7(ATP7A):c.3511+8A>C

Gene: ATP7A (ATPase copper transporting alpha; plus strand). Cytogenetic location: Xq21.1.
Variant type: single nucleotide variant.
Coding change: c.3511+8A>C on transcript NM_000052.7 (MANE Select); 8 bases into the intron after coding-DNA position 3511, A replaced by C.
Molecular consequence: intron variant.
Genome position (GRCh38, 1-based): chrX:78,033,829, A>C. VCF-style: chrX-78033829-A-C. GRCh37 (hg19) VCF-style: chrX-77289327-A-C.
Other names: c.3277+8A>C (NM_001282224.2).
Identifiers: ClinVar variation 1617175 (VCV001617175.10), dbSNP rs2149107265, ClinGen allele CA913203523.